The following is an entry in ClinVar:

NM_032444.4(SLX4):c.761T>A (p.Val254Glu)

Gene: SLX4 (SLX4 structure-specific endonuclease subunit; minus strand). Cytogenetic location: 16p13.3.
Variant type: single nucleotide variant.
Coding change: c.761T>A on transcript NM_032444.4 (MANE Select); coding-DNA position 761, T replaced by A.
Protein change: p.Val254Glu; replaces valine 254 with glutamic acid.
Molecular consequence: missense variant.
Genome position (GRCh38, 1-based): chr16:3,602,307, A>T on the plus strand (T>A on the coding strand, the complement: SLX4 is on the minus strand). VCF-style: chr16-3602307-A-T. GRCh37 (hg19) VCF-style: chr16-3652308-A-T.
Other names: short protein forms V254E.
Identifiers: ClinVar variation 1692021 (VCV001692021.1), dbSNP rs776582706, ClinGen allele CA394532547.

ClinVar aggregate classification (germline): Uncertain significance (1 of 4 stars; one submission).

Conditions:
Fanconi anemia (FA). Also called: Fanconi's anemia. Identifiers: Orphanet 84, MedGen C0015625, MeSH D005199, MONDO:0019391.

Submission:

Sema4
Classification: Uncertain significance for Fanconi anemia. Last evaluated: 2021-11-06. Review status: criteria provided, single submitter. Criteria: Sema4 Curation Guidelines. Collection method: curation. Allele origin: germline.
Comment: The SLX4 c.761T>A (p.V254E) variant has not been reported in the literature to our knowledge. It was not observed in the large and broad cohorts of the Genome Aggregation Database (PMID: 32461654), nor in ClinVar. In silico tools suggest the impact of the variant on protein function is benign, though these predictions have not been confirmed by functional studies. The evidence is insufficient to meet ACMG/AMP criteria for classifying the variant as benign or pathogenic. Thus, the clinical significance of this variant is currently uncertain.